The following is an entry in ClinVar:

ClinVar aggregate classification (germline): Uncertain significance. Review status: criteria provided, multiple submitters, no conflicts (2 of 4 stars). 3 submissions from 3 submitters: Uncertain significance (3). Last evaluated 2023-12-11.

Conditions:
ERCC6L2-related disorder. Also called: ERCC6L2-related condition.

Allele frequency attached by ClinVar (database versions not stated): gnomAD exomes 0.00002 and 0.00005; TOPMed 0.00007; ExAC 0.00009; gnomAD 0.00009 and 0.00010; ESP Exome Variant Server 0.00023.
gnomAD v4.1: 35 of 1,348,440 alleles (0.0026%); highest among the groups gnomAD compares: Middle Eastern, 0.022%; no homozygotes.

Submissions (3):

Labcorp Genetics (formerly Invitae), Labcorp
Classification: Uncertain significance. Last evaluated: 2023-12-11. Review status: criteria provided, single submitter. Criteria: Invitae Variant Classification Sherloc (09022015). Collection method: clinical testing. Allele origin: germline.
Comment: This sequence change replaces serine, which is neutral and polar, with leucine, which is neutral and non-polar, at codon 1115 of the ERCC6L2 protein (p.Ser1115Leu). The frequency data for this variant in the population databases is considered unreliable, as metrics indicate poor data quality at this position in the gnomAD database. This variant has not been reported in the literature in individuals affected with ERCC6L2-related conditions. ClinVar contains an entry for this variant (Variation ID: 1518659). Experimental studies and prediction algorithms are not available or were not evaluated, and the functional significance of this variant is currently unknown. In summary, the available evidence is currently insufficient to determine the role of this variant in disease. Therefore, it has been classified as a Variant of Uncertain Significance.

PreventionGenetics, part of Exact Sciences
Classification: Uncertain significance for ERCC6L2-related condition. Last evaluated: 2023-09-22. Review status: criteria provided, single submitter. Criteria: ACMG Guidelines, 2015. Collection method: clinical testing. Allele origin: germline.
Comment: The ERCC6L2 c.3344C>T variant is predicted to result in the amino acid substitution p.Ser1115Leu. To our knowledge, this variant has not been reported in the literature. This variant is reported in 0.021% of alleles in individuals of African descent in gnomAD. At this time, the clinical significance of this variant is uncertain due to the absence of conclusive functional and genetic evidence.

Breakthrough Genomics
Classification: Uncertain significance. Review status: criteria provided, single submitter. Criteria: ACMG Guidelines, 2015. Collection method: not provided. Allele origin: germline. Inheritance: Autosomal recessive inheritance. Affected: yes.

NM_020207.7(ERCC6L2):c.3311C>T (p.Ser1104Leu)

Gene: ERCC6L2 (ERCC excision repair 6 like 2; plus strand). Cytogenetic location: 9q22.32.
Variant type: single nucleotide variant.
Coding change: c.3311C>T on transcript NM_020207.7 (MANE Select); coding-DNA position 3311, C replaced by T.
Protein change: p.Ser1104Leu; replaces serine 1104 with leucine.
Molecular consequence: missense variant. On other transcripts: non-coding transcript variant (1).
Genome position (GRCh38, 1-based): chr9:95,973,062, C>T. VCF-style: chr9-95973062-C-T. GRCh37 (hg19) VCF-style: chr9-98735344-C-T.
Other names: c.3311C>T, p.Ser1104Leu (NM_001375291.1, NM_001375292.1, NM_001375293.1 and 1 more transcripts); c.3344C>T (NM_020207.4); short protein forms S1104L.
Identifiers: ClinVar variation 1518659 (VCV001518659.7), dbSNP rs372436741, ClinGen allele CA5139878.